The following is an entry in ClinVar:

ClinVar aggregate classification (germline): Uncertain significance (1 of 4 stars; one submission).

Conditions:
Epidermolysis bullosa simplex 5B, with muscular dystrophy (EBS5B). Also called: EPIDERMOLYSIS BULLOSA SIMPLEX AND LIMB-GIRDLE MUSCULAR DYSTROPHY; Epidermolysis bullosa simplex with muscular dystrophy. Identifiers: Orphanet 257, MedGen C2931072, MONDO:0009181, OMIM 226670.
Epidermolysis bullosa simplex, Ogna type (EBS5A). Also called: EPIDERMOLYSIS BULLOSA SIMPLEX 5A, OGNA TYPE; Pidermolysis bullosa simplex 5A, Ogna type. Identifiers: Orphanet 79401, MedGen C0432317, MONDO:0007555, OMIM 131950.
Epidermolysis bullosa simplex 5C, with pyloric atresia (EBS5C). Also called: Epidermolysis bullosa simplex with pyloric atresia; PLEC-Related Epidermolysis Bullosa with Pyloric Atresia; PLEC1-Related Epidermolysis Bullosa with Pyloric Atresia. Identifiers: Orphanet 158684, MedGen C2677349, MONDO:0012807, OMIM 612138.
Autosomal recessive limb-girdle muscular dystrophy type 2Q (LGMDR17). Also called: MUSCULAR DYSTROPHY, LIMB-GIRDLE, AUTOSOMAL RECESSIVE 17. Identifiers: Orphanet 254361, MedGen C3150989, MONDO:0013390, OMIM 613723.
Epidermolysis bullosa simplex with nail dystrophy (EBS5D). Identifiers: MedGen C4225309, MONDO:0014661, OMIM 616487.

Submission:

Labcorp Genetics (formerly Invitae), Labcorp
Classification: Uncertain significance for Autosomal recessive limb-girdle muscular dystrophy type 2Q; Epidermolysis bullosa simplex, Ogna type; Epidermolysis bullosa simplex with nail dystrophy; Epidermolysis bullosa simplex 5C, with pyloric atresia; Epidermolysis bullosa simplex 5B, with muscular dystrophy. Last evaluated: 2022-10-04. Review status: criteria provided, single submitter. Criteria: Invitae Variant Classification Sherloc (09022015). Collection method: clinical testing. Allele origin: germline.
Comment: In summary, the available evidence is currently insufficient to determine the role of this variant in disease. Therefore, it has been classified as a Variant of Uncertain Significance. Algorithms developed to predict the effect of missense changes on protein structure and function are either unavailable or do not agree on the potential impact of this missense change (SIFT: "Deleterious"; PolyPhen-2: "Not Available"; Align-GVGD: "Class C15"). ClinVar contains an entry for this variant (Variation ID: 1016512). This variant has not been reported in the literature in individuals affected with PLEC-related conditions. This variant is not present in population databases (gnomAD no frequency). This sequence change replaces glycine, which is neutral and non-polar, with aspartic acid, which is acidic and polar, at codon 494 of the PLEC protein (p.Gly494Asp).

NM_201384.3(PLEC):c.1400G>A (p.Gly467Asp)

Gene: PLEC (plectin; minus strand). Cytogenetic location: 8q24.3.
Variant type: single nucleotide variant.
Coding change: c.1400G>A on transcript NM_201384.3 (MANE Select); coding-DNA position 1400, G replaced by A.
Protein change: p.Gly467Asp; replaces glycine 467 with aspartic acid.
Molecular consequence: missense variant.
Genome position (GRCh38, 1-based): chr8:143,933,215, C>T on the plus strand (G>A on the coding strand, the complement: PLEC is on the minus strand). VCF-style: chr8-143933215-C-T. GRCh37 (hg19) VCF-style: chr8-145007383-C-T.
Other names: c.1481G>A, p.Gly494Asp (NM_000445.5); c.1358G>A, p.Gly453Asp (NM_201378.4); c.1334G>A, p.Gly445Asp (NM_201379.3); c.1811G>A, p.Gly604Asp (NM_201380.4); c.1304G>A, p.Gly435Asp (NM_201381.3); c.1400G>A, p.Gly467Asp (NM_201382.4); c.1412G>A, p.Gly471Asp (NM_201383.3); short protein forms G435D, G445D, G453D, G467D, G471D, G494D, G604D.
Identifiers: ClinVar variation 1016512 (VCV001016512.5), dbSNP rs1228728894, ClinGen allele CA372581937.